The following is an entry in ClinVar:

NM_001267550.2(TTN):c.11667G>T (p.Glu3889Asp)

Gene: TTN (titin; minus strand). Cytogenetic location: 2q31.2.
Variant type: single nucleotide variant.
Coding change: c.11667G>T on transcript NM_001267550.2 (MANE Select); coding-DNA position 11667, G replaced by T.
Protein change: p.Glu3889Asp; replaces glutamic acid 3889 with aspartic acid.
Molecular consequence: missense variant. On other transcripts: intron variant (1).
Genome position (GRCh38, 1-based): chr2:178,741,566, C>A on the plus strand (G>T on the coding strand, the complement: TTN is on the minus strand). VCF-style: chr2-178741566-C-A. GRCh37 (hg19) VCF-style: chr2-179606293-C-A.
Other names: p.Glu3572Asp; c.10716G>T, p.Glu3572Asp (NM_001256850.1); c.10578G>T, p.Glu3526Asp (NM_003319.4); c.10953G>T, p.Glu3651Asp (NM_133432.3); c.11154G>T, p.Glu3718Asp (NM_133437.4); c.10361-3206G>T (NM_133378.4); short protein forms E3889D, E3526D, E3651D, E3718D, E3572D.
Identifiers: ClinVar variation 535330 (VCV000535330.12), dbSNP rs377423256, ClinGen allele CA2002818.
Genomic context (GRCh38, chr2:178,741,566, plus strand): 5'-AATTTTTAGATAGGCACTACATATTGTCTTTCCATAGTCATTACTGGCCATACATGTATA[C>A]TCTCCCTCATCCTCCAATTTGGTGAACAGAATGATCAGGCTATGATCATCACCGTCAAAA-3'
Protein context (NP_001254479.2, residues 3879-3899): ILFTKLEDEG[Glu3889Asp]YTCMASNDYG

ClinVar aggregate classification (germline): Conflicting classifications of pathogenicity. Review status: criteria provided, conflicting classifications (1 of 4 stars). 7 submissions from 7 submitters: Uncertain significance (6); Likely benign (1). Last evaluated 2026-08-19.

Conditions:
Dilated cardiomyopathy 1G (CMD1G). Identifiers: Orphanet 154, MedGen C1858763, MONDO:0011400, OMIM 604145.
Early-onset myopathy with fatal cardiomyopathy (CMYO5). Also called: CONGENITAL MYOPATHY 5 WITH CARDIOMYOPATHY; Salih Myopathy. Identifiers: Orphanet 289377, MedGen C2673677, MONDO:0012714, OMIM 611705. Disease mechanism: loss of function.
Hypertrophic cardiomyopathy 9. Also called: Familial hypertrophic cardiomyopathy 9. Identifiers: MedGen C1861065, MONDO:0013412, OMIM 613765.
Cardiovascular phenotype. Identifiers: MedGen CN230736.
TTN-related disorder. Also called: TTN-related condition; TTN-related disease; TTN-related disorders.
Autosomal recessive limb-girdle muscular dystrophy type 2J (LGMDR10). Also called: MUSCULAR DYSTROPHY, LIMB-GIRDLE, AUTOSOMAL RECESSIVE 10; Limb-girdle muscular dystrophy, type 2J. Identifiers: Orphanet 140922, MedGen C1837342, MONDO:0012127, OMIM 608807.

Allele frequency attached by ClinVar (database versions not stated): ExAC 0.00001; gnomAD exomes 0.00001; gnomAD 0.00005 and 0.00006; TOPMed 0.00011; ESP Exome Variant Server 0.00017.
gnomAD v4.1: 17 of 1,613,646 alleles (0.0011%); highest among the groups gnomAD compares: African/African-American, 0.019%; no homozygotes.

Submissions (7):

PreventionGenetics, part of Exact Sciences
Classification: Uncertain significance for TTN-related condition. Last evaluated: 2026-08-19. Review status: criteria provided, single submitter. Criteria: ACMG Guidelines, 2015. Collection method: clinical testing. Allele origin: germline.
Comment: The TTN c.11667G>T variant is predicted to result in the amino acid substitution p.Glu3889Asp. To our knowledge, this variant has not been reported in the literature. This variant is reported in 0.012% of alleles in individuals of African descent in gnomAD. At this time, the clinical significance of this variant is uncertain due to the absence of conclusive functional and genetic evidence.

Molecular Diagnostic Laboratory for Inherited Cardiovascular Disease, Montreal Heart Institute
Classification: Likely benign. Last evaluated: 2026-03-27. Review status: criteria provided, single submitter. Criteria: ACMG Guidelines, 2015. Collection method: clinical testing. Allele origin: germline. Affected: no.
Comment: BS1;BP1

Mayo Clinic Laboratories, Mayo Clinic
Classification: Uncertain significance. Last evaluated: 2025-10-23. Review status: criteria provided, single submitter. Criteria: ACMG Guidelines, 2015. Collection method: clinical testing. Allele origin: germline. Observed: 1 variant allele.
Comment: BP4_moderate

Ambry Genetics
Classification: Uncertain significance for Cardiovascular phenotype. Last evaluated: 2019-09-30. Review status: criteria provided, single submitter. Criteria: Ambry Variant Classification Scheme 2023. Collection method: clinical testing. Allele origin: germline.
Comment: The p.E3526D variant (also known as c.10578G>T), located in coding exon 44 of the TTN gene, results from a G to T substitution at nucleotide position 10578. The glutamic acid at codon 3526 is replaced by aspartic acid, an amino acid with highly similar properties. This amino acid position is well conserved in available vertebrate species; however, aspartic acid is the reference amino acid in other vertebrate species. In addition, this alteration is predicted to be tolerated by in silico analysis. Since supporting evidence is limited at this time, the clinical significance of this alteration remains unclear.

GeneDx
Classification: Uncertain significance. Last evaluated: 2019-07-23. Review status: criteria provided, single submitter. Criteria: GeneDx Variant Classification Process June 2021. Collection method: clinical testing. Allele origin: germline. Affected: yes.

New York Genome Center
Classification: Uncertain significance for Hypertrophic cardiomyopathy 9; Early-onset myopathy with fatal cardiomyopathy; Dilated cardiomyopathy 1G. Last evaluated: 2019-07-12. Review status: criteria provided, single submitter. Criteria: NYGC Assertion Criteria 2020. Collection method: clinical testing. Allele origin: germline. Observed: 1 heterozygote. Study: CSER-NYCKidSeq.

Labcorp Genetics (formerly Invitae), Labcorp
Classification: Uncertain significance for Dilated cardiomyopathy 1G; Autosomal recessive limb-girdle muscular dystrophy type 2J. Last evaluated: 2018-01-08. Review status: criteria provided, single submitter. Criteria: Invitae Variant Classification Sherloc (09022015). Collection method: clinical testing. Allele origin: germline.